The following is an entry in ClinVar:

NC_012920.1(MT-ND1):m.3391G>A

Gene: MT-ND1 (mitochondrially encoded NADH dehydrogenase 1; plus strand).
Variant type: single nucleotide variant.
Genome position: chrM-3391-G-A.
Identifiers: ClinVar variation 692348 (VCV000692348.3), dbSNP rs1603218931, ClinGen allele CA414772680.

ClinVar aggregate classification (germline): Benign. Review status: criteria provided, multiple submitters, no conflicts (2 of 4 stars). 3 submissions from 3 submitters: Benign (3). Last evaluated 2025-02-16.

Conditions:
Leigh syndrome (NULS). Also called: Leigh's necrotizing encephalopathy; Leigh's disease; Leigh Syndrome (mtDNA deletion); Leigh Disease; Subacute necrotizing encephalopathy; Necrotizing encephalopathy infantile subacute of Leigh. Identifiers: Orphanet 506, MedGen C2931891, MONDO:0009723, OMIM 256000.

Submissions (3):

Laboratory of Genetics, Children's Clinical University Hospital Latvia
Classification: Benign. Last evaluated: 2025-02-16. Review status: criteria provided, single submitter. Criteria: ACMG Guidelines, 2015. Collection method: clinical testing. Allele origin: germline. Affected: yes.

Wong Mito Lab, Molecular and Human Genetics, Baylor College of Medicine
Classification: Benign for Leigh syndrome. Last evaluated: 2019-10-17. Review status: criteria provided, single submitter. Criteria: Modified ACMG Guidelines (Unpublished). Collection method: clinical testing. Allele origin: germline.
Comment: The NC_012920.1:m.3391G>A (YP_003024026.1:p.Gly29Ser) variant in MTND1 gene is interpretated to be a Benign variant based on the modified ACMG guidelines (unpublished). This variant meets the following evidence codes: BS1, BS2

Breakthrough Genomics
Classification: Benign. Review status: criteria provided, single submitter. Criteria: ACMG Guidelines, 2015. Collection method: not provided. Allele origin: germline. Inheritance: Unknown mechanism. Affected: yes.

Literature cited by the submitters: PubMed 27177320 (cited by Wong Mito Lab, Molecular and Human Genetics, Baylor College of Medicine); PubMed 16895436 (cited by Wong Mito Lab, Molecular and Human Genetics, Baylor College of Medicine).